The following is an entry in ClinVar:

ClinVar aggregate classification (germline): Pathogenic. Review status: criteria provided, multiple submitters, no conflicts (2 of 4 stars). 3 submissions from 3 submitters: Pathogenic (3). Last evaluated 2024-10-05.

Conditions:
GTP cyclohydrolase I deficiency. Identifiers: MedGen C0268467, MONDO:0100184.
Dystonia 5 (DRD). Also called: GTP Cyclohydrolase 1-Deficient Dopa-Responsive Dystonia; Dystonia, DOPA-responsive, with or without hyperphenylalaninemia; DYT-GCH1; DYSTONIA, PROGRESSIVE, WITH DIURNAL VARIATION; DYSTONIA-PARKINSONISM WITH DIURNAL FLUCTUATION. Identifiers: Orphanet 98808, MedGen C1851920, MONDO:0007495, OMIM 128230.

Submissions (3):

GeneDx
Classification: Pathogenic. Last evaluated: 2024-10-05. Review status: criteria provided, single submitter. Criteria: GeneDx Variant Classification Process June 2021. Collection method: clinical testing. Allele origin: germline. Affected: yes.
Comment: Canonical splice site variant predicted to result in a null allele in a gene for which loss of function is a known mechanism of disease; Not observed at significant frequency in large population cohorts (gnomAD); This variant is associated with the following publications: (PMID: 25525159, 19491146)

Labcorp Genetics (formerly Invitae), Labcorp
Classification: Pathogenic for GTP cyclohydrolase I deficiency; Dystonia 5. Last evaluated: 2024-02-06. Review status: criteria provided, single submitter. Criteria: Invitae Variant Classification Sherloc (09022015). Collection method: clinical testing. Allele origin: germline.
Comment: This sequence change affects a donor splice site in intron 5 of the GCH1 gene. RNA analysis indicates that disruption of this splice site induces altered splicing and likely disrupts the C-terminus of the protein. This variant is not present in population databases (gnomAD no frequency). Disruption of this splice site has been observed in individuals with dystonia (PMID: 9749603, 15303002, 19491146). ClinVar contains an entry for this variant (Variation ID: 449485). Algorithms developed to predict the effect of variants on protein structure and function are not available or were not evaluated for this variant. Experimental studies have shown that disruption of this splice site affects GCH1 function (PMID: 9749603). Variants that disrupt the consensus splice site are a relatively common cause of aberrant splicing (PMID: 17576681, 9536098). Studies have shown that disruption of this splice site results in skipping of exon 5 and introduces a new termination codon (PMID: 9749603). However the mRNA is not expected to undergo nonsense-mediated decay. For these reasons, this variant has been classified as Pathogenic.

MGZ Medical Genetics Center
Classification: Pathogenic for Dystonia 5. Last evaluated: 2022-05-06. Review status: criteria provided, single submitter. Criteria: ACMG Guidelines, 2015. Collection method: clinical testing. Allele origin: germline. Affected: yes. Observed: 1 variant allele.
Comment: ACMG criteria applied: PS3, PS4, PM1, PM2_SUP

Literature cited by the submitters: PubMed 9749603 (cited by Labcorp Genetics (formerly Invitae), Labcorp); PubMed 15303002 (cited by Labcorp Genetics (formerly Invitae), Labcorp); PubMed 19491146 (cited by Labcorp Genetics (formerly Invitae), Labcorp); PubMed 17576681 (cited by Labcorp Genetics (formerly Invitae), Labcorp); PubMed 9536098 (cited by Labcorp Genetics (formerly Invitae), Labcorp).

NM_000161.3(GCH1):c.626+1G>T

Gene: GCH1 (GTP cyclohydrolase 1; minus strand). Cytogenetic location: 14q22.2.
Variant type: single nucleotide variant.
Coding change: c.626+1G>T on transcript NM_000161.3 (MANE Select); the canonical splice donor site of the intron after coding-DNA position 626, G replaced by T.
Molecular consequence: splice donor variant.
Genome position (GRCh38, 1-based): chr14:54,845,767, C>A on the plus strand (G>T on the coding strand, the complement: GCH1 is on the minus strand). VCF-style: chr14-54845767-C-A. GRCh37 (hg19) VCF-style: chr14-55312485-C-A.
Other names: c.626+1G>T (NM_001024071.2, NM_001024070.2, NM_001024024.2).
Identifiers: ClinVar variation 449485 (VCV000449485.15), dbSNP rs1555358507, ClinGen allele CA389787259.